The following is an entry in ClinVar:

ClinVar aggregate classification (germline): Uncertain significance (1 of 4 stars; one submission).

Conditions:
KMT2D-related disorder. Also called: KMT2D-Related Disorders.

Submission:

PreventionGenetics, part of Exact Sciences
Classification: Uncertain significance for KMT2D-related condition. Last evaluated: 2026-02-02. Review status: criteria provided, single submitter. Criteria: ACMG Guidelines, 2015. Collection method: clinical testing. Allele origin: germline.
Comment: The KMT2D c.4085A>G variant is predicted to result in the amino acid substitution p.Asn1362Ser. To our knowledge, this variant has not been reported in the literature or in a large population database (gnomAD), indicating this variant is rare. At this time, the clinical significance of this variant is uncertain due to the absence of conclusive functional and genetic evidence.

NM_003482.4(KMT2D):c.4085A>G (p.Asn1362Ser)

Gene: KMT2D (lysine methyltransferase 2D; minus strand). Cytogenetic location: 12q13.12.
Variant type: single nucleotide variant.
Coding change: c.4085A>G on transcript NM_003482.4 (MANE Select); coding-DNA position 4085, A replaced by G.
Protein change: p.Asn1362Ser; replaces asparagine 1362 with serine.
Molecular consequence: missense variant.
Genome position (GRCh38, 1-based): chr12:49,048,705, T>C on the plus strand (A>G on the coding strand, the complement: KMT2D is on the minus strand). VCF-style: chr12-49048705-T-C. GRCh37 (hg19) VCF-style: chr12-49442488-T-C.
Other names: short protein forms N1362S.
Identifiers: ClinVar variation 4993915 (VCV004993915.1).
Genomic context (GRCh38, chr12:49,048,705, plus strand): 5'-TCACTGTATGGTACCTGCATTAGGACAAATTTGTCTGTGTTGGAGAAGAGAACCACGGTA[T>C]TCTGCATGGTGTCATCATCTTCTTCCTCCTCCTCCTTACTGGGAGAGCTATCAATGTCAG-3'
Protein context (NP_003473.3, residues 1352-1372): EEEEDDDTMQ[Asn1362Ser]TVVLFSNTDK